The following is an entry in ClinVar:

ClinVar aggregate classification (germline): Uncertain significance (1 of 4 stars; one submission).

Conditions:
Hereditary cancer-predisposing syndrome. Also called: Hereditary neoplastic syndrome; Neoplastic Syndromes, Hereditary; Tumor predisposition; Hereditary Cancer Syndrome. Identifiers: Orphanet 140162, MedGen C0027672, MeSH D009386, MONDO:0015356.

Submission:

Ambry Genetics
Classification: Uncertain significance for Hereditary cancer-predisposing syndrome. Last evaluated: 2025-09-04. Review status: criteria provided, single submitter. Criteria: Ambry Variant Classification Scheme 2023. Collection method: clinical testing. Allele origin: germline.
Comment: The p.L322W variant (also known as c.965T>G), located in coding exon 7 of the RAD50 gene, results from a T to G substitution at nucleotide position 965. The leucine at codon 322 is replaced by tryptophan, an amino acid with similar properties. This amino acid position is conserved. In addition, the in silico prediction for this alteration is inconclusive. Based on the available evidence, the clinical significance of this variant remains unclear.

NM_005732.4(RAD50):c.965T>G (p.Leu322Trp)

Gene: RAD50 (RAD50 double strand break repair protein; plus strand). Cytogenetic location: 5q31.1.
Variant type: single nucleotide variant.
Coding change: c.965T>G on transcript NM_005732.4 (MANE Select); coding-DNA position 965, T replaced by G.
Protein change: p.Leu322Trp; replaces leucine 322 with tryptophan.
Molecular consequence: missense variant.
Genome position (GRCh38, 1-based): chr5:132,588,003, T>G. VCF-style: chr5-132588003-T-G. GRCh37 (hg19) VCF-style: chr5-131923695-T-G.
Other names: short protein forms L322W.
Identifiers: ClinVar variation 4149743 (VCV004149743.1).